The following is an entry in ClinVar:

ClinVar aggregate classification (germline): Uncertain significance. Review status: criteria provided, multiple submitters, no conflicts (2 of 4 stars). 2 submissions from 2 submitters: Uncertain significance (2). Last evaluated 2025-03-07.

Conditions:
DNA ligase IV deficiency. Identifiers: Orphanet 99812, MedGen C1847827, MONDO:0011686, OMIM 606593.

Allele frequency attached by ClinVar (database versions not stated): gnomAD exomes below 0.00001 and 0.00002; ExAC 0.00001; TOPMed 0.00002; gnomAD 0.00003.
gnomAD v4.1: 26 of 1,613,528 alleles (0.0016%); highest among the groups gnomAD compares: Non-Finnish European, 0.0022%; no homozygotes.

Submissions (2):

Labcorp Genetics (formerly Invitae), Labcorp
Classification: Uncertain significance for DNA ligase IV deficiency. Last evaluated: 2025-03-07. Review status: criteria provided, single submitter. Criteria: Invitae Variant Classification Sherloc (09022015). Collection method: clinical testing. Allele origin: germline.
Comment: This sequence change replaces methionine, which is neutral and non-polar, with threonine, which is neutral and polar, at codon 354 of the LIG4 protein (p.Met354Thr). This variant is present in population databases (rs780950741, gnomAD 0.002%). This variant has not been reported in the literature in individuals affected with LIG4-related conditions. ClinVar contains an entry for this variant (Variation ID: 1356430). Invitae Evidence Modeling of protein sequence and biophysical properties (such as structural, functional, and spatial information, amino acid conservation, physicochemical variation, residue mobility, and thermodynamic stability) has been performed for this missense variant. However, the output from this modeling did not meet the statistical confidence thresholds required to predict the impact of this variant on LIG4 protein function. In summary, the available evidence is currently insufficient to determine the role of this variant in disease. Therefore, it has been classified as a Variant of Uncertain Significance.

Blueprint Genetics
Classification: Uncertain significance. Last evaluated: 2024-11-18. Review status: criteria provided, single submitter. Criteria: ACMG Guidelines, 2015. Collection method: clinical testing. Allele origin: germline.

NM_206937.2(LIG4):c.1061T>C (p.Met354Thr)

Gene: LIG4 (DNA ligase 4; minus strand). Cytogenetic location: 13q33.3.
Variant type: single nucleotide variant.
Coding change: c.1061T>C on transcript NM_206937.2 (MANE Select); coding-DNA position 1061, T replaced by C.
Protein change: p.Met354Thr; replaces methionine 354 with threonine.
Molecular consequence: missense variant.
Genome position (GRCh38, 1-based): chr13:108,210,208, A>G on the plus strand (T>C on the coding strand, the complement: LIG4 is on the minus strand). VCF-style: chr13-108210208-A-G. GRCh37 (hg19) VCF-style: chr13-108862556-A-G.
Other names: c.1061T>C, p.Met354Thr (NM_001098268.2, NM_001352598.2, NM_001352599.2 and 6 more transcripts); c.860T>C, p.Met287Thr (NM_001330595.2); c.1097T>C, p.Met366Thr (NM_001352604.2); short protein forms M287T, M354T, M366T.
Identifiers: ClinVar variation 1356430 (VCV001356430.7), dbSNP rs780950741, ClinGen allele CA7043758.